The following is an entry in ClinVar:

ClinVar aggregate classification (germline): Conflicting classifications of pathogenicity. Review status: criteria provided, conflicting classifications (1 of 4 stars). 7 submissions from 6 submitters: Uncertain significance (1); Likely benign (6). Last evaluated 2025-11-11.

Conditions:
Charcot-Marie-Tooth disease type 2. Also called: Charcot-Marie-Tooth type 2. Identifiers: Orphanet 64746, MedGen C0270914, MONDO:0018993.
Neuronopathy, distal hereditary motor, type 5A (HMND5). Also called: Distal Spinal Muscular Atrophy V; DHMN VA; Distal Spinal Muscular Atrophy V (dSMA-V); NEURONOPATHY, DISTAL HEREDITARY MOTOR, AUTOSOMAL DOMINANT 5. Identifiers: Orphanet 139536, MedGen CN031873, MONDO:0015353, OMIM 600794.
Congenital generalized lipodystrophy type 2 (CGL2). Also called: BERARDINELLI SYNDROME; BRUNZELL SYNDROME, BSCL2-RELATED; SEIP SYNDROME; Berardinelli-Seip Congenital Lipodystrophy Type 2. Identifiers: Orphanet 528, Orphanet 696289, MedGen C1720863, MONDO:0010020, OMIM 269700.
Hereditary spastic paraplegia. Also called: Familial spastic paraparesis. Identifiers: Orphanet 685, MedGen C0037773, MONDO:0019064. Disease mechanism: loss of function.

Allele frequency attached by ClinVar (database versions not stated): 1000 Genomes Project 0.00040; gnomAD 0.00011 and 0.00013; 1000 Genomes Project 30x 0.00031; ExAC 0.00034; gnomAD exomes 0.00008 and 0.00038; TOPMed 0.00016.
gnomAD v4.1: 137 of 1,614,008 alleles (0.0085%); highest among the groups gnomAD compares: East Asian, 0.26%; no homozygotes.

Submissions (7):

Women's Health and Genetics/Laboratory Corporation of America, LabCorp
Classification: Likely benign. Last evaluated: 2025-11-11. Review status: criteria provided, single submitter. Criteria: LabCorp Variant Classification Summary - May 2015. Collection method: clinical testing. Allele origin: germline.

Labcorp Genetics (formerly Invitae), Labcorp
Classification: Likely benign for Charcot-Marie-Tooth disease type 2. Last evaluated: 2025-05-21. Review status: criteria provided, single submitter. Criteria: Invitae Variant Classification Sherloc (09022015). Collection method: clinical testing. Allele origin: germline.

ARUP Laboratories, Molecular Genetics and Genomics, ARUP Laboratories
Classification: Likely benign. Last evaluated: 2022-01-14. Review status: criteria provided, single submitter. Criteria: ARUP Molecular Germline Variant Investigation Process 2021. Collection method: clinical testing. Allele origin: germline.

Genome Diagnostics Laboratory, The Hospital for Sick Children
Classification: Uncertain significance for Hereditary spastic paraplegia. Last evaluated: 2021-11-18. Review status: criteria provided, single submitter. Criteria: ACMG Guidelines, 2015. Collection method: clinical testing. Allele origin: germline. Affected: yes.

Illumina Laboratory Services, Illumina
Classification: Likely benign for Neuronopathy, distal hereditary motor, type 5A. Last evaluated: 2018-01-13. Review status: criteria provided, single submitter. Criteria: ICSL Variant Classification Criteria 13 December 2019. Collection method: clinical testing. Allele origin: germline.
Comment: This variant was observed in the ICSL laboratory as part of a predisposition screen in an ostensibly healthy population. It had not been previously curated by ICSL or reported in the Human Gene Mutation Database (HGMD: prior to June 1st, 2018), and was therefore a candidate for classification through an automated scoring system. Utilizing variant allele frequency, disease prevalence and penetrance estimates, and inheritance mode, an automated score was calculated to assess if this variant is too frequent to cause the disease. Based on the score and internal cut-off values, a variant classified as likely benign is not then subjected to further curation. The score for this variant resulted in a classification of likely benign for this disease.

Illumina Laboratory Services, Illumina
Classification: Likely benign for Congenital generalized lipodystrophy type 2. Last evaluated: 2018-01-13. Review status: criteria provided, single submitter. Criteria: ICSL Variant Classification Criteria 13 December 2019. Collection method: clinical testing. Allele origin: germline.
Comment: the same text as in the submission from Illumina Laboratory Services, Illumina above.

GeneDx
Classification: Likely benign. Last evaluated: 2017-05-03. Review status: criteria provided, single submitter. Criteria: GeneDx Variant Classification (06012015). Collection method: clinical testing. Allele origin: germline. Affected: yes.
Comment: This variant is considered likely benign or benign based on one or more of the following criteria: it is a conservative change, it occurs at a poorly conserved position in the protein, it is predicted to be benign by multiple in silico algorithms, and/or has population frequency not consistent with disease.

NM_001122955.4(BSCL2):c.1234+7G>A

Genes: BSCL2 (BSCL2 lipid droplet biogenesis associated, seipin; minus strand), HNRNPUL2-BSCL2 (HNRNPUL2-BSCL2 readthrough (NMD candidate); minus strand). Cytogenetic location: 11q12.3.
Variant type: single nucleotide variant.
Coding change: c.1234+7G>A on transcript NM_001122955.4 (MANE Select); 7 bases into the intron after coding-DNA position 1234, G replaced by A.
Molecular consequence: intron variant.
Genome position (GRCh38, 1-based): chr11:62,690,605, C>T on the plus strand (G>A on the coding strand, the complement: BSCL2 is on the minus strand). VCF-style: chr11-62690605-C-T. GRCh37 (hg19) VCF-style: chr11-62458077-C-T.
Other names: c.*36+7G>A (NM_001130702.2); c.1042+7G>A (NM_032667.6); c.1234+7G>A (NM_001386028.1); c.1240+7G>A (NM_001386027.1).
Identifiers: ClinVar variation 509292 (VCV000509292.23), dbSNP rs200631909, ClinGen allele CA6053286.